The following is an entry in ClinVar:

NM_020806.5(GPHN):c.274C>T (p.Pro92Ser)

Gene: GPHN (gephyrin; plus strand). Cytogenetic location: 14q23.3.
Variant type: single nucleotide variant.
Coding change: c.274C>T on transcript NM_020806.5 (MANE Select); coding-DNA position 274, C replaced by T.
Protein change: p.Pro92Ser; replaces proline 92 with serine.
Molecular consequence: missense variant.
Genome position (GRCh38, 1-based): chr14:66,824,546, C>T. VCF-style: chr14-66824546-C-T. GRCh37 (hg19) VCF-style: chr14-67291264-C-T.
Other names: c.274C>T, p.Pro92Ser (NM_001024218.2, NM_001377514.1, NM_001377515.1 and 4 more transcripts); short protein forms P92S.
Identifiers: ClinVar variation 2767436 (VCV002767436.3), dbSNP rs937919465, ClinGen allele CA390255568.

ClinVar aggregate classification (germline): Uncertain significance (1 of 4 stars; one submission).

Conditions:
Sulfite oxidase deficiency due to molybdenum cofactor deficiency type C. Also called: Molybdenum cofactor deficiency, complementation group C; Molybdenum cofactor deficiency C. Identifiers: Orphanet 308400, Orphanet 833, MedGen C1854990, MONDO:0014212, OMIM 615501.

Allele frequency attached by ClinVar (database versions not stated): gnomAD exomes below 0.00001.

Submission:

Labcorp Genetics (formerly Invitae), Labcorp
Classification: Uncertain significance for Sulfite oxidase deficiency due to molybdenum cofactor deficiency type C. Last evaluated: 2023-10-10. Review status: criteria provided, single submitter. Criteria: Invitae Variant Classification Sherloc (09022015). Collection method: clinical testing. Allele origin: germline.
Comment: This sequence change replaces proline, which is neutral and non-polar, with serine, which is neutral and polar, at codon 92 of the GPHN protein (p.Pro92Ser). This variant is not present in population databases (gnomAD no frequency). This variant has not been reported in the literature in individuals affected with GPHN-related conditions. Advanced modeling of protein sequence and biophysical properties (such as structural, functional, and spatial information, amino acid conservation, physicochemical variation, residue mobility, and thermodynamic stability) performed at Invitae indicates that this missense variant is not expected to disrupt GPHN protein function. In summary, the available evidence is currently insufficient to determine the role of this variant in disease. Therefore, it has been classified as a Variant of Uncertain Significance.